The following is an entry in ClinVar:

ClinVar aggregate classification (germline): Uncertain significance (1 of 4 stars; one submission).

Submission:

Labcorp Genetics (formerly Invitae), Labcorp
Classification: Uncertain significance. Last evaluated: 2021-03-07. Review status: criteria provided, single submitter. Criteria: Invitae Variant Classification Sherloc (09022015). Collection method: clinical testing. Allele origin: germline.
Comment: This sequence change replaces alanine with valine at codon 2920 of the VPS13A protein (p.Ala2920Val). The alanine residue is highly conserved and there is a small physicochemical difference between alanine and valine. This variant is not present in population databases (ExAC no frequency). This variant has not been reported in the literature in individuals with VPS13A-related conditions. Algorithms developed to predict the effect of missense changes on protein structure and function are either unavailable or do not agree on the potential impact of this missense change (SIFT: "Deleterious"; PolyPhen-2: "Probably Damaging"; Align-GVGD: "Class C0"). In summary, the available evidence is currently insufficient to determine the role of this variant in disease. Therefore, it has been classified as a Variant of Uncertain Significance.

NM_033305.3(VPS13A):c.8759C>T (p.Ala2920Val)

Gene: VPS13A (vacuolar protein sorting 13 homolog A; plus strand). Cytogenetic location: 9q21.2.
Variant type: single nucleotide variant.
Coding change: c.8759C>T on transcript NM_033305.3 (MANE Select); coding-DNA position 8759, C replaced by T.
Protein change: p.Ala2920Val; replaces alanine 2920 with valine.
Molecular consequence: missense variant.
Genome position (GRCh38, 1-based): chr9:77,370,430, C>T. VCF-style: chr9-77370430-C-T. GRCh37 (hg19) VCF-style: chr9-79985346-C-T.
Other names: c.8642C>T, p.Ala2881Val (NM_001018037.2); c.8759C>T, p.Ala2920Val (NM_001018038.3, NM_015186.4); short protein forms A2881V, A2920V.
Identifiers: ClinVar variation 1377189 (VCV001377189.8), dbSNP rs750896320, ClinGen allele CA373867362.